The following is an entry in ClinVar:

ClinVar aggregate classification (germline): Uncertain significance (1 of 4 stars; one submission).

Conditions:
Fibrous dysplasia of jaw (CRBM). Also called: Cherubism. Identifiers: Orphanet 184, MedGen C0008029, MONDO:0007315, OMIM 118400.

gnomAD v4.1: 1 of 1,614,152 alleles (0.000062%); highest among the groups gnomAD compares: Non-Finnish European, 0.000085%; no homozygotes.

Submission:

Labcorp Genetics (formerly Invitae), Labcorp
Classification: Uncertain significance for Fibrous dysplasia of jaw. Last evaluated: 2025-10-21. Review status: criteria provided, single submitter. Criteria: Invitae Variant Classification Sherloc (09022015). Collection method: clinical testing. Allele origin: germline.
Comment: This sequence change replaces asparagine, which is neutral and polar, with aspartic acid, which is acidic and polar, at codon 510 of the SH3BP2 protein (p.Asn510Asp). This variant is not present in population databases (gnomAD no frequency). This variant has not been reported in the literature in individuals affected with SH3BP2-related conditions. ClinVar contains an entry for this variant (Variation ID: 3693601). Invitae Evidence Modeling of protein sequence and biophysical properties (such as structural, functional, and spatial information, amino acid conservation, physicochemical variation, residue mobility, and thermodynamic stability) indicates that this missense variant is not expected to disrupt SH3BP2 protein function with a negative predictive value of 95%. In summary, the available evidence is currently insufficient to determine the role of this variant in disease. Therefore, it has been classified as a Variant of Uncertain Significance.

NM_001122681.2(SH3BP2):c.1528A>G (p.Asn510Asp)

Gene: SH3BP2 (SH3 domain binding protein 2; plus strand). Cytogenetic location: 4p16.3.
Variant type: single nucleotide variant.
Coding change: c.1528A>G on transcript NM_001122681.2 (MANE Select); coding-DNA position 1528, A replaced by G.
Protein change: p.Asn510Asp; replaces asparagine 510 with aspartic acid.
Molecular consequence: missense variant.
Genome position (GRCh38, 1-based): chr4:2,833,029, A>G. VCF-style: chr4-2833029-A-G. GRCh37 (hg19) VCF-style: chr4-2834756-A-G.
Other names: c.1612A>G, p.Asn538Asp (NM_001145855.2); c.1699A>G, p.Asn567Asp (NM_001145856.2); c.1528A>G, p.Asn510Asp (NM_003023.4); short protein forms N538D, N567D, N510D.
Identifiers: ClinVar variation 3693601 (VCV003693601.2).